The following is an entry in ClinVar:

ClinVar aggregate classification (germline): Uncertain significance (1 of 4 stars; one submission).

gnomAD v4.1: 1 of 1,614,172 alleles (0.000062%); highest among the groups gnomAD compares: Middle Eastern, 0.016%; no homozygotes.

Submission:

CeGaT Center for Human Genetics Tuebingen
Classification: Uncertain significance. Last evaluated: 2026-03-01. Review status: criteria provided, single submitter. Criteria: CeGaT Center For Human Genetics Tuebingen Variant Classification Criteria Version 2. Collection method: clinical testing. Allele origin: germline. Affected: yes. Observed: 1 variant allele.
Comment: ZMYND8: PM2

NM_001281775.3(ZMYND8):c.2956G>A (p.Glu986Lys)

Gene: ZMYND8 (zinc finger MYND-type containing 8; minus strand). Cytogenetic location: 20q13.12.
Variant type: single nucleotide variant.
Coding change: c.2956G>A on transcript NM_001281775.3 (MANE Select); coding-DNA position 2956, G replaced by A.
Protein change: p.Glu986Lys; replaces glutamic acid 986 with lysine.
Molecular consequence: missense variant.
Genome position (GRCh38, 1-based): chr20:47,227,263, C>T on the plus strand (G>A on the coding strand, the complement: ZMYND8 is on the minus strand). VCF-style: chr20-47227263-C-T. GRCh37 (hg19) VCF-style: chr20-45856006-C-T.
Other names: c.2500G>A, p.Glu834Lys (NM_001281771.3); c.2896G>A, p.Glu966Lys (NM_001281772.3, NM_001281773.3, NM_001363741.2); c.2758G>A, p.Glu920Lys (NM_001281774.3); c.2575G>A, p.Glu859Lys (NM_001281776.3); c.2743G>A, p.Glu915Lys (NM_001281777.3, NM_183048.4); c.2881G>A, p.Glu961Lys (NM_001281778.3); c.2014G>A, p.Glu672Lys (NM_001281779.3, NM_001281780.3); c.2602G>A, p.Glu868Lys (NM_001281781.3); and 5 more; short protein forms E672K, E834K, E859K, E868K, E888K, E914K, E915K, E920K.
Identifiers: ClinVar variation 4823797 (VCV004823797.4).